The following is an entry in ClinVar:

NM_174936.4(PCSK9):c.656A>G (p.Gln219Arg)

Gene: PCSK9 (proprotein convertase subtilisin/kexin type 9; plus strand). Cytogenetic location: 1p32.3.
Variant type: single nucleotide variant.
Coding change: c.656A>G on transcript NM_174936.4 (MANE Select); coding-DNA position 656, A replaced by G.
Protein change: p.Gln219Arg; replaces glutamine 219 with arginine.
Molecular consequence: missense variant. On other transcripts: non-coding transcript variant (8).
Genome position (GRCh38, 1-based): chr1:55,052,410, A>G. VCF-style: chr1-55052410-A-G. GRCh37 (hg19) VCF-style: chr1-55518083-A-G.
Other names: c.779A>G, p.Gln260Arg (NM_001407240.1); c.656A>G, p.Gln219Arg (NM_001407241.1, NM_001407242.1, NM_001407244.1 and 1 more transcripts); c.599A>G, p.Gln200Arg (NM_001407243.1); c.464A>G, p.Gln155Arg (NM_001407245.1); c.281A>G, p.Gln94Arg (NM_001407246.1); short protein forms Q155R, Q200R, Q219R, Q260R, Q94R.
Identifiers: ClinVar variation 3075106 (VCV003075106.1), dbSNP rs2523225083, ClinGen allele CA340473659.
Genomic context (GRCh38, chr1:55,052,410, plus strand): 5'-GGGTCATGGTCACCGACTTCGAGAATGTGCCCGAGGAGGACGGGACCCGCTTCCACAGAC[A>G]GGTAAGCACGGCCGTCTGATGGGAGGGCTGCCTCTGCCCATATCCCCATCCTGGAGGTGG-3'
Protein context (NP_777596.2, residues 209-229): PEEDGTRFHR[Gln219Arg]ASKCDSHGTH

ClinVar aggregate classification (germline): Uncertain significance (1 of 4 stars; one submission).

Conditions:
Hypercholesterolemia, autosomal dominant, 3 (FHCL3). Also called: Familial Hypercholesterolemia, Autosomal Dominant, 3; PCSK9-Related Familial Hypercholesterolemia, Autosomal Dominant; Familial hypercholesterolemia 3. Identifiers: MedGen C1863551, MONDO:0011369, OMIM 603776.

Submission:

All of Us Research Program, National Institutes of Health
Classification: Uncertain significance for Hypercholesterolemia, autosomal dominant, 3. Last evaluated: 2023-12-18. Review status: criteria provided, single submitter. Criteria: ACMG Guidelines, 2015. Collection method: clinical testing. Allele origin: germline. Inheritance: Autosomal dominant inheritance. Observed: 1 variant allele, 1 heterozygote.
Comment: This missense variant replaces glutamine with arginine at codon 219 of the PCSK9 protein. Computational prediction suggests that this variant may not impact protein structure and function (internally defined REVEL score threshold <= 0.5, PMID: 27666373). To our knowledge, functional studies have not been reported for this variant. This variant has not been reported in individuals affected with PCSK9-related disorders in the literature. This variant has not been identified in the general population by the Genome Aggregation Database (gnomAD). The available evidence is insufficient to determine the role of this variant in disease conclusively. Therefore, this variant is classified as a Variant of Uncertain Significance.

This study involves interpretation of variants in research participants for the purpose of population health screening. Participant phenotype was not available at the time of variant classification. Additional details can be found in publication PMID: 35346344, PMCID: PMC8962531